The following is an entry in ClinVar:

ClinVar aggregate classification (germline): Conflicting classifications of pathogenicity. Review status: criteria provided, conflicting classifications (1 of 4 stars). 3 submissions from 3 submitters: Uncertain significance (2); Benign (1). Last evaluated 2025-09-03.

Conditions:
Norman-Roberts syndrome (LIS2). Also called: Lissencephaly 2 (Norman-Roberts type). Identifiers: Orphanet 89844, MedGen C0796089, MONDO:0009760, OMIM 257320.
Familial temporal lobe epilepsy 7. Identifiers: Orphanet 101046, MedGen C4225327, MONDO:0014639, OMIM 616436.
Inborn genetic diseases. Identifiers: MedGen C0950123, MeSH D030342.

Allele frequency attached by ClinVar (database versions not stated): ExAC 0.00004; TOPMed 0.00008; gnomAD 0.00011 and 0.00013; ESP Exome Variant Server 0.00031.
gnomAD v4.1: 27 of 1,613,892 alleles (0.0017%); highest among the groups gnomAD compares: African/African-American, 0.036%; no homozygotes.

Submissions (3):

Labcorp Genetics (formerly Invitae), Labcorp
Classification: Benign for Familial temporal lobe epilepsy 7; Norman-Roberts syndrome. Last evaluated: 2025-09-03. Review status: criteria provided, single submitter. Criteria: Invitae Variant Classification Sherloc (09022015). Collection method: clinical testing. Allele origin: germline.

Ambry Genetics
Classification: Uncertain significance for Inborn genetic diseases. Last evaluated: 2025-06-09. Review status: criteria provided, single submitter. Criteria: Ambry Variant Classification Scheme 2023. Collection method: clinical testing. Allele origin: germline.

Women's Health and Genetics/Laboratory Corporation of America, LabCorp
Classification: Uncertain significance. Last evaluated: 2023-07-06. Review status: criteria provided, single submitter. Criteria: LabCorp Variant Classification Summary - May 2015. Collection method: clinical testing. Allele origin: germline.
Comment: Variant summary: RELN c.5398C>G (p.Leu1800Val) results in a conservative amino acid change in the encoded protein sequence. Three of five in-silico tools predict a damaging effect of the variant on protein function. The variant allele was found at a frequency of 3.2e-05 in 282502 control chromosomes (gnomAD). The available data on variant occurrences in the general population are insufficient to allow any conclusion about variant significance. To our knowledge, no occurrence of c.5398C>G in individuals affected with Epilepsy Familial Temporal Lobe 7 and no experimental evidence demonstrating its impact on protein function have been reported. One ClinVar submitter has assessed the variant since 2014, and classified the variant as benign. Based on the evidence outlined above, the variant was classified as uncertain significance.

NM_005045.4(RELN):c.5398C>G (p.Leu1800Val)

Gene: RELN (reelin; minus strand). Cytogenetic location: 7q22.1.
Variant type: single nucleotide variant.
Coding change: c.5398C>G on transcript NM_005045.4 (MANE Select); coding-DNA position 5398, C replaced by G.
Protein change: p.Leu1800Val; replaces leucine 1800 with valine.
Molecular consequence: missense variant.
Genome position (GRCh38, 1-based): chr7:103,561,663, G>C on the plus strand (C>G on the coding strand, the complement: RELN is on the minus strand). VCF-style: chr7-103561663-G-C. GRCh37 (hg19) VCF-style: chr7-103202110-G-C.
Other names: c.5398C>G (NM_005045.3); c.5398C>G, p.Leu1800Val (NM_173054.3); short protein forms L1800V.
Identifiers: ClinVar variation 1025631 (VCV001025631.8), dbSNP rs150148125, ClinGen allele CA4421212.